The following is an entry in ClinVar:

NM_014314.4(RIGI):c.109G>A (p.Glu37Lys)

Gene: RIGI (RNA sensor RIG-I; minus strand). Cytogenetic location: 9p21.1.
Variant type: single nucleotide variant.
Coding change: c.109G>A on transcript NM_014314.4 (MANE Select); coding-DNA position 109, G replaced by A.
Protein change: p.Glu37Lys; replaces glutamic acid 37 with lysine.
Molecular consequence: missense variant. On other transcripts: 5 prime UTR variant (3).
Genome position (GRCh38, 1-based): chr9:32,500,937, C>T on the plus strand (G>A on the coding strand, the complement: RIGI is on the minus strand). VCF-style: chr9-32500937-C-T. GRCh37 (hg19) VCF-style: chr9-32500935-C-T.
Other names: c.109G>A, p.Glu37Lys (NM_001385907.1, NM_001385909.1, NM_001385913.1); c.-346G>A (NM_001385910.1, NM_001385914.1); c.-353G>A (NM_001385912.1); short protein forms E37K.
Identifiers: ClinVar variation 2475750 (VCV002475750.5), dbSNP rs768297267, ClinGen allele CA5020166.

ClinVar aggregate classification (germline): Uncertain significance. Review status: criteria provided, multiple submitters, no conflicts (2 of 4 stars). 2 submissions from 2 submitters: Uncertain significance (2). Last evaluated 2023-07-12.

Conditions:
Inborn genetic diseases. Identifiers: MedGen C0950123, MeSH D030342.

Allele frequency attached by ClinVar (database versions not stated): gnomAD exomes below 0.00001; ExAC 0.00001; TOPMed 0.00001.
gnomAD v4.1: 3 of 1,612,414 alleles (0.00019%); highest among the groups gnomAD compares: Non-Finnish European, 0.00025%; no homozygotes.

Submissions (2):

Labcorp Genetics (formerly Invitae), Labcorp
Classification: Uncertain significance. Last evaluated: 2023-07-12. Review status: criteria provided, single submitter. Criteria: Invitae Variant Classification Sherloc (09022015). Collection method: clinical testing. Allele origin: germline.
Comment: In summary, the available evidence is currently insufficient to determine the role of this variant in disease. Therefore, it has been classified as a Variant of Uncertain Significance. Algorithms developed to predict the effect of sequence changes on RNA splicing suggest that this variant may disrupt the consensus splice site. Algorithms developed to predict the effect of missense changes on protein structure and function output the following: SIFT: "Not Available"; PolyPhen-2: "Benign"; Align-GVGD: "Not Available". The lysine amino acid residue is found in multiple mammalian species, which suggests that this missense change does not adversely affect protein function. ClinVar contains an entry for this variant (Variation ID: 2475750). This variant has not been reported in the literature in individuals affected with DDX58-related conditions. This variant is present in population databases (rs768297267, gnomAD 0.002%). This sequence change replaces glutamic acid, which is acidic and polar, with lysine, which is basic and polar, at codon 37 of the DDX58 protein (p.Glu37Lys).

Ambry Genetics
Classification: Uncertain significance for Inborn genetic diseases. Last evaluated: 2023-01-11. Review status: criteria provided, single submitter. Criteria: Ambry Variant Classification Scheme 2023. Collection method: clinical testing. Allele origin: germline.